The following is an entry in ClinVar:

ClinVar aggregate classification (germline): Conflicting classifications of pathogenicity. Review status: criteria provided, conflicting classifications (1 of 4 stars). 5 submissions from 5 submitters: Likely pathogenic (2); Uncertain significance (3). Last evaluated 2025-12-20.

Conditions:
Connective tissue disorder. Also called: Connective tissue disease. Identifiers: MedGen C0009782, MONDO:0003900.
COL11A1-related disorder. Also called: COL11A1-related disorders; COL11A1-related condition.

Submissions (5):

Labcorp Genetics (formerly Invitae), Labcorp
Classification: Uncertain significance. Last evaluated: 2025-12-20. Review status: criteria provided, single submitter. Criteria: Invitae Variant Classification Sherloc (09022015). Collection method: clinical testing. Allele origin: germline.
Comment: This sequence change falls in intron 55 of the COL11A1 gene. It does not directly change the encoded amino acid sequence of the COL11A1 protein. It affects a nucleotide within the consensus splice site. This variant is not present in population databases (gnomAD no frequency). This variant has not been reported in the literature in individuals affected with COL11A1-related conditions. ClinVar contains an entry for this variant (Variation ID: 547210). Variants that disrupt the consensus splice site are a relatively common cause of aberrant splicing (PMID: 17576681, 9536098). Algorithms developed to predict the effect of sequence changes on RNA splicing suggest that this variant may disrupt the consensus splice site. In summary, the available evidence is currently insufficient to determine the role of this variant in disease. Therefore, it has been classified as a Variant of Uncertain Significance.

GeneDx
Classification: Uncertain significance. Last evaluated: 2025-08-19. Review status: criteria provided, single submitter. Criteria: GeneDx Variant Classification Process June 2021. Collection method: clinical testing. Allele origin: germline. Affected: yes.
Comment: Not observed at significant frequency in large population cohorts (gnomAD); In silico analysis supports a deleterious effect on splicing; Has not been previously published as pathogenic or benign to our knowledge

Blueprint Genetics
Classification: Likely pathogenic for COL11A1-related disorders. Last evaluated: 2022-10-26. Review status: criteria provided, single submitter. Criteria: ACMG Guidelines, 2015. Collection method: clinical testing. Allele origin: germline. Affected: yes. Observed: 2 variant alleles.

Revvity Omics, Revvity
Classification: Uncertain significance. Last evaluated: 2019-11-18. Review status: criteria provided, single submitter. Criteria: ACMG Guidelines, 2015. Collection method: clinical testing. Allele origin: germline.

Center for Human Genetics, Inc
Classification: Likely pathogenic for Connective tissue disorder. Last evaluated: 2016-11-01. Review status: criteria provided, single submitter. Criteria: ACMG Guidelines, 2015. Collection method: clinical testing. Allele origin: germline. Affected: yes.

Literature cited by the submitters: PubMed 17576681 (cited by Labcorp Genetics (formerly Invitae), Labcorp); PubMed 9536098 (cited by Labcorp Genetics (formerly Invitae), Labcorp).

NM_001854.4(COL11A1):c.4140+3A>T

Gene: COL11A1 (collagen type XI alpha 1 chain; minus strand). Cytogenetic location: 1p21.1.
Variant type: single nucleotide variant.
Coding change: c.4140+3A>T on transcript NM_001854.4 (MANE Select); 3 bases into the intron after coding-DNA position 4140, A replaced by T.
Molecular consequence: intron variant.
Genome position (GRCh38, 1-based): chr1:102,898,938, T>A on the plus strand (A>T on the coding strand, the complement: COL11A1 is on the minus strand). VCF-style: chr1-102898938-T-A. GRCh37 (hg19) VCF-style: chr1-103364494-T-A.
Other names: c.4140+3A>T (NM_001854.3); c.4023+3A>T (NM_001190709.2); c.4176+3A>T (NM_080629.3); c.3792+3A>T (NM_080630.4).
Identifiers: ClinVar variation 547210 (VCV000547210.7), dbSNP rs1553196515, ClinGen allele CA658821125.